The following is an entry in ClinVar:

NM_199420.4(POLQ):c.3862A>G (p.Ile1288Val)

Gene: POLQ (DNA polymerase theta; minus strand). Cytogenetic location: 3q13.33.
Variant type: single nucleotide variant.
Coding change: c.3862A>G on transcript NM_199420.4 (MANE Select); coding-DNA position 3862, A replaced by G.
Protein change: p.Ile1288Val; replaces isoleucine 1288 with valine.
Molecular consequence: missense variant.
Genome position (GRCh38, 1-based): chr3:121,489,069, T>C on the plus strand (A>G on the coding strand, the complement: POLQ is on the minus strand). VCF-style: chr3-121489069-T-C. GRCh37 (hg19) VCF-style: chr3-121207916-T-C.
Other names: short protein forms I1288V.
Identifiers: ClinVar variation 3308506 (VCV003308506.1).

ClinVar aggregate classification (germline): Uncertain significance (1 of 4 stars; one submission).

gnomAD v4.1: 3 of 1,613,492 alleles (0.00019%); highest among the groups gnomAD compares: Non-Finnish European, 0.00025%; no homozygotes.

Submission:

Ambry Genetics
Classification: Uncertain significance. Last evaluated: 2024-04-07. Review status: criteria provided, single submitter. Criteria: Ambry Variant Classification Scheme 2023. Collection method: clinical testing. Allele origin: germline.
Comment: The p.I1288V variant (also known as c.3862A>G), located in coding exon 16 of the POLQ gene, results from an A to G substitution at nucleotide position 3862. The isoleucine at codon 1288 is replaced by valine, an amino acid with highly similar properties. This amino acid position is conserved. In addition, this alteration is predicted to be tolerated by in silico analysis. Based on the available evidence, the clinical significance of this variant remains unclear.